The following is an entry in ClinVar:

NM_001005242.3(PKP2):c.2268C>T (p.Asn756=)

Gene: PKP2 (plakophilin 2; minus strand). Cytogenetic location: 12p11.21.
Variant type: single nucleotide variant.
Coding change: c.2268C>T on transcript NM_001005242.3 (MANE Select); coding-DNA position 2268, C replaced by T.
Protein change: p.Asn756=; no amino-acid change (asparagine 756 retained).
Molecular consequence: synonymous variant.
Genome position (GRCh38, 1-based): chr12:32,796,198, G>A on the plus strand (C>T on the coding strand, the complement: PKP2 is on the minus strand). VCF-style: chr12-32796198-G-A. GRCh37 (hg19) VCF-style: chr12-32949132-G-A.
Other names: c.2400C>T, p.Asn800= (NM_004572.4).
Identifiers: ClinVar variation 227848 (VCV000227848.5), dbSNP rs876657564, ClinGen allele CA10576920.

ClinVar aggregate classification (germline): Likely benign (1 of 4 stars; one submission).

Submission:

Laboratory for Molecular Medicine, Mass General Brigham Personalized Medicine
Classification: Likely benign. Last evaluated: 2015-08-13. Review status: criteria provided, single submitter. Criteria: LMM Criteria. Collection method: clinical testing. Allele origin: germline. Observed: 1 variant allele.
Comment: p.Asn800Asn in exon 12 of PKP2: This variant is not expected to have clinical si gnificance because it does not alter an amino acid residue and is not located wi thin the splice consensus sequence.